The following is an entry in ClinVar:

ClinVar aggregate classification (germline): Uncertain significance (1 of 4 stars; one submission).

Conditions:
Autosomal dominant polycystic kidney disease. Identifiers: Orphanet 730, MedGen C0085413, MONDO:0004691.

gnomAD v4.1: 26 of 1,613,562 alleles (0.0016%); highest among the groups gnomAD compares: East Asian, 0.0022%; no homozygotes.

Submission:

Labcorp Genetics (formerly Invitae), Labcorp
Classification: Uncertain significance for Autosomal dominant polycystic kidney disease. Last evaluated: 2025-11-02. Review status: criteria provided, single submitter. Criteria: Invitae Variant Classification Sherloc (09022015). Collection method: clinical testing. Allele origin: germline.
Comment: This sequence change replaces arginine, which is basic and polar, with glutamine, which is neutral and polar, at codon 464 of the PKD2 protein (p.Arg464Gln). This variant is present in population databases (rs144390370, gnomAD 0.006%). This variant has not been reported in the literature in individuals affected with PKD2-related conditions. Invitae Evidence Modeling of protein sequence and biophysical properties (such as structural, functional, and spatial information, amino acid conservation, physicochemical variation, residue mobility, and thermodynamic stability) indicates that this missense variant is expected to disrupt PKD2 protein function with a positive predictive value of 80%. In summary, the available evidence is currently insufficient to determine the role of this variant in disease. Therefore, it has been classified as a Variant of Uncertain Significance.

NM_000297.4(PKD2):c.1391G>A (p.Arg464Gln)

Gene: PKD2 (polycystin 2, transient receptor potential cation channel; plus strand). Cytogenetic location: 4q22.1.
Variant type: single nucleotide variant.
Coding change: c.1391G>A on transcript NM_000297.4 (MANE Select); coding-DNA position 1391, G replaced by A.
Protein change: p.Arg464Gln; replaces arginine 464 with glutamine.
Molecular consequence: missense variant. On other transcripts: non-coding transcript variant (1).
Genome position (GRCh38, 1-based): chr4:88,046,713, G>A. VCF-style: chr4-88046713-G-A. GRCh37 (hg19) VCF-style: chr4-88967865-G-A.
Other names: c.1166G>A, p.Arg389Gln (NM_001440544.1); short protein forms R389Q, R464Q.
Identifiers: ClinVar variation 4798790 (VCV004798790.1).
Genomic context (GRCh38, chr4:88,046,713, plus strand): 5'-AATTCCCAGCAACAGGTGGTGTGATTCCATCTTGGCAATTTCAGCCTTTAAAGCTGATCC[G>A]ATATGTCACAACTTTTGATTTCTTCCTGGCAGCCTGTGAGATTATCTTTTGTTTCTTTAT-3'
Protein context (NP_000288.1, residues 454-474): SWQFQPLKLI[Arg464Gln]YVTTFDFFLA